The following is an entry in ClinVar:

NM_006015.6(ARID1A):c.5606G>A (p.Arg1869Gln)

Gene: ARID1A (AT-rich interaction domain 1A; plus strand). Cytogenetic location: 1p36.11.
Variant type: single nucleotide variant.
Coding change: c.5606G>A on transcript NM_006015.6 (MANE Select); coding-DNA position 5606, G replaced by A.
Protein change: p.Arg1869Gln; replaces arginine 1869 with glutamine.
Molecular consequence: missense variant.
Genome position (GRCh38, 1-based): chr1:26,779,504, G>A. VCF-style: chr1-26779504-G-A. GRCh37 (hg19) VCF-style: chr1-27105995-G-A.
Other names: c.4955G>A, p.Arg1652Gln (NM_139135.4); short protein forms R1652Q, R1869Q.
Identifiers: ClinVar variation 2628650 (VCV002628650.26), dbSNP rs367835531, ClinGen allele CA707723.
Genomic context (GRCh38, chr1:26,779,504, plus strand): 5'-GGGACACCACTGAGCATATCCAGACCCACTTCGAGAGCAAGACAGAGCTGCTGCCTTCCC[G>A]GCCTCACGCACCCTGCCCACCAGCCCCTCGGAAGCATGTGACAACAGCAGAGGGTACACC-3'
Protein context (NP_006006.3, residues 1859-1879): FESKTELLPS[Arg1869Gln]PHAPCPPAPR

ClinVar aggregate classification (germline): Uncertain significance. Review status: criteria provided, multiple submitters, no conflicts (2 of 4 stars). 3 submissions from 3 submitters: Uncertain significance (3). Last evaluated 2025-06-29.

Conditions:
ARID1A-related disorder. Also called: ARID1A-related condition.

Allele frequency attached by ClinVar (database versions not stated): gnomAD 0.00001; ExAC 0.00002; TOPMed 0.00002; gnomAD exomes 0.00003; ESP Exome Variant Server 0.00008.
gnomAD v4.1: 38 of 1,613,902 alleles (0.0024%); highest among the groups gnomAD compares: Non-Finnish European, 0.0031%; no homozygotes.

Submissions (3):

Labcorp Genetics (formerly Invitae), Labcorp
Classification: Uncertain significance. Last evaluated: 2025-06-29. Review status: criteria provided, single submitter. Criteria: Invitae Variant Classification Sherloc (09022015). Collection method: clinical testing. Allele origin: germline.
Comment: This sequence change replaces arginine, which is basic and polar, with glutamine, which is neutral and polar, at codon 1869 of the ARID1A protein (p.Arg1869Gln). This variant is present in population databases (rs367835531, gnomAD 0.0009%). This variant has not been reported in the literature in individuals affected with ARID1A-related conditions. ClinVar contains an entry for this variant (Variation ID: 2628650). Invitae Evidence Modeling of protein sequence and biophysical properties (such as structural, functional, and spatial information, amino acid conservation, physicochemical variation, residue mobility, and thermodynamic stability) indicates that this missense variant is not expected to disrupt ARID1A protein function with a negative predictive value of 80%. In summary, the available evidence is currently insufficient to determine the role of this variant in disease. Therefore, it has been classified as a Variant of Uncertain Significance.

CeGaT Center for Human Genetics Tuebingen
Classification: Uncertain significance. Last evaluated: 2022-12-01. Review status: criteria provided, single submitter. Criteria: CeGaT Center For Human Genetics Tuebingen Variant Classification Criteria Version 2. Collection method: clinical testing. Allele origin: germline. Affected: yes. Observed: 1 variant allele.
Comment: ARID1A: PP2, BP4

PreventionGenetics, part of Exact Sciences
Classification: Uncertain significance for ARID1A-related condition. Last evaluated: 2022-10-24. Review status: criteria provided, single submitter. Criteria: ACMG Guidelines, 2015. Collection method: clinical testing. Allele origin: germline.
Comment: The ARID1A c.5606G>A variant is predicted to result in the amino acid substitution p.Arg1869Gln. To our knowledge, this variant has not been reported in the literature. This variant is reported in 0.0018% of alleles in individuals of European (Non-Finnish) descent in gnomAD. At this time, the clinical significance of this variant is uncertain due to the absence of conclusive functional and genetic evidence.